The following is an entry in ClinVar:

NM_001080467.3(MYO5B):c.2004-14_2004-13del

Gene: MYO5B (myosin VB; minus strand). Cytogenetic location: 18q21.1.
Variant type: Deletion.
Coding change: c.2004-14_2004-13del on transcript NM_001080467.3 (MANE Select); 14 bases into the intron before coding-DNA position 2004 through 13 bases into the intron before coding-DNA position 2004, 2 bases deleted (TT; older notation c.2004-14_2004-13delTT).
Molecular consequence: intron variant.
Genome position (GRCh38, 1-based): chr18:49,929,611-49,929,612, AA deleted on the plus strand (TT on the coding strand, the reverse complement: MYO5B is on the minus strand); deleting any 2 consecutive bases within chr18:49,929,611-49,929,626 gives the same sequence; the c. name uses the placement nearest the transcript's 3' end. VCF-style (leftmost placement, unchanged base first): chr18-49929610-GAA-G. GRCh37 (hg19) VCF-style: chr18-47455980-GAA-G.
Identifiers: ClinVar variation 403216 (VCV000403216.5), dbSNP rs56278513, ClinGen allele CA8961263.
Genomic context (GRCh38, chr18:49,929,610, plus strand): 5'-CAACACCCCGCAGGCTCTGAGTTGCTGCACTGCTCTCTTTGGGTCAAAGCTGCCAAAGGA[GAA>G]AAAAAAAAAAAAAAGCAAGACAAGAGATGAGTGGCCACATTTGCAAAAAAGAAACAAAAA-3'

ClinVar aggregate classification (germline): Benign. Review status: criteria provided, multiple submitters, no conflicts (2 of 4 stars). 2 submissions from 2 submitters: Benign (2). Last evaluated 2021-06-09.

Submissions (2):

GeneDx
Classification: Benign. Last evaluated: 2021-06-09. Review status: criteria provided, single submitter. Criteria: GeneDx Variant Classification Process June 2021. Collection method: clinical testing. Allele origin: germline. Affected: yes.

Laboratory for Molecular Medicine, Mass General Brigham Personalized Medicine
Classification: Benign. Last evaluated: 2016-03-28. Review status: criteria provided, single submitter. Criteria: LMM Criteria. Collection method: clinical testing. Allele origin: germline.
Comment: Variant identified in a genome or exome case(s) and assessed due to predicted null impact of the variant or pathogenic assertions in the literature or databases. Disclaimer: This variant has not undergone full assessment. The following are preliminary notes: Frequency